The following is an entry in ClinVar:

NM_203447.4(DOCK8):c.81G>C (p.Gln27His)

Gene: DOCK8 (dedicator of cytokinesis 8; plus strand). Cytogenetic location: 9p24.3.
Variant type: single nucleotide variant.
Coding change: c.81G>C on transcript NM_203447.4 (MANE Select); coding-DNA position 81, G replaced by C.
Protein change: p.Gln27His; replaces glutamine 27 with histidine.
Molecular consequence: missense variant.
Genome position (GRCh38, 1-based): chr9:271,654, G>C. VCF-style: chr9-271654-G-C. GRCh37 (hg19) VCF-style: chr9-271654-G-C.
Other names: short protein forms Q27H.
Identifiers: ClinVar variation 1501446 (VCV001501446.6), dbSNP rs1322181469, ClinGen allele CA372752280.
Genomic context (GRCh38, chr9:271,654, plus strand): 5'-CATTTCATTTAGATTTTTCTATTTTAATCCAAGGTATTCTTCAGCGGAAATAAGGAAACA[G>C]TTTACTCTCCCACCAAACCTTGGCCAGTACCATCGACAGAGCATAAGTACCTCTGGCTTC-3'
Protein context (NP_982272.2, residues 17-37): NRYSSAEIRK[Gln27His]FTLPPNLGQY

ClinVar aggregate classification (germline): Uncertain significance (1 of 4 stars; one submission).

Conditions:
Combined immunodeficiency due to DOCK8 deficiency (HIES2). Also called: HIES autosomal recessive; DOCK8 Deficiency; Hyper-IgE recurrent infection syndrome, autosomal recessive; HYPER-IgE RECURRENT INFECTION SYNDROME 2, AUTOSOMAL RECESSIVE; HYPER-IgE SYNDROME 2, AUTOSOMAL RECESSIVE, WITH RECURRENT INFECTIONS. Identifiers: Orphanet 217390, MedGen C4722305, MONDO:0009478, OMIM 243700.

Allele frequency attached by ClinVar (database versions not stated): gnomAD exomes below 0.00001 and 0.00001; TOPMed below 0.00001; gnomAD 0.00001.
gnomAD v4.1: 3 of 1,551,286 alleles (0.00019%); highest among the groups gnomAD compares: Admixed American, 0.0039%; no homozygotes.

Submission:

Labcorp Genetics (formerly Invitae), Labcorp
Classification: Uncertain significance for Combined immunodeficiency due to DOCK8 deficiency. Last evaluated: 2024-08-05. Review status: criteria provided, single submitter. Criteria: Invitae Variant Classification Sherloc (09022015). Collection method: clinical testing. Allele origin: germline.
Comment: This sequence change replaces glutamine, which is neutral and polar, with histidine, which is basic and polar, at codon 27 of the DOCK8 protein (p.Gln27His). This variant is present in population databases (no rsID available, gnomAD 0.004%). This variant has not been reported in the literature in individuals affected with DOCK8-related conditions. ClinVar contains an entry for this variant (Variation ID: 1501446). An algorithm developed to predict the effect of missense changes on protein structure and function (PolyPhen-2) suggests that this variant is likely to be tolerated. In summary, the available evidence is currently insufficient to determine the role of this variant in disease. Therefore, it has been classified as a Variant of Uncertain Significance.